The following is an entry in ClinVar:

ClinVar aggregate classification (germline): Uncertain significance. Review status: criteria provided, multiple submitters, no conflicts (2 of 4 stars). 2 submissions from 2 submitters: Uncertain significance (2). Last evaluated 2025-11-03.

Conditions:
X-linked Alport syndrome (ATS1). Also called: COL4A5-Related Nephropathy; NEPHROPATHY AND DEAFNESS, X-LINKED. Identifiers: Orphanet 63, Orphanet 88917, MedGen C4746986, MONDO:0010520, OMIM 301050.

Submissions (2):

Labcorp Genetics (formerly Invitae), Labcorp
Classification: Uncertain significance. Last evaluated: 2025-11-03. Review status: criteria provided, single submitter. Criteria: Invitae Variant Classification Sherloc (09022015). Collection method: clinical testing. Allele origin: germline.
Comment: This sequence change falls in intron 9 of the COL4A5 gene. It does not directly change the encoded amino acid sequence of the COL4A5 protein. It affects a nucleotide within the consensus splice site. This variant is not present in population databases (gnomAD no frequency). This variant has not been reported in the literature in individuals affected with COL4A5-related conditions. ClinVar contains an entry for this variant (Variation ID: 3597861). Variants that disrupt the consensus splice site are a relatively common cause of aberrant splicing (PMID: 17576681, 9536098). Algorithms developed to predict the effect of sequence changes on RNA splicing suggest that this variant may disrupt the consensus splice site. In summary, the available evidence is currently insufficient to determine the role of this variant in disease. Therefore, it has been classified as a Variant of Uncertain Significance.

Fulgent Genetics
Classification: Uncertain significance for X-linked Alport syndrome. Last evaluated: 2024-06-17. Review status: criteria provided, single submitter. Criteria: ACMG Guidelines, 2015. Collection method: clinical testing. Allele origin: germline.

Literature cited by the submitters: PubMed 17576681 (cited by Labcorp Genetics (formerly Invitae), Labcorp); PubMed 9536098 (cited by Labcorp Genetics (formerly Invitae), Labcorp).

NM_033380.3(COL4A5):c.546+5G>A

Gene: COL4A5 (collagen type IV alpha 5 chain; plus strand). Cytogenetic location: Xq22.3.
Variant type: single nucleotide variant.
Coding change: c.546+5G>A on transcript NM_033380.3 (MANE Select); 5 bases into the intron after coding-DNA position 546, G replaced by A.
Molecular consequence: intron variant.
Genome position (GRCh38, 1-based): chrX:108,573,659, G>A. VCF-style: chrX-108573659-G-A. GRCh37 (hg19) VCF-style: chrX-107816889-G-A.
Other names: c.546+5G>A (NM_000495.5).
Identifiers: ClinVar variation 3597861 (VCV003597861.2).